The following is an entry in ClinVar:

ClinVar aggregate classification (germline): Likely pathogenic (1 of 4 stars; one submission).

Conditions:
Infantile cerebral and cerebellar atrophy with postnatal progressive microcephaly (MSBA). Identifiers: Orphanet 402364, MedGen C3150921, MONDO:0013351, OMIM 613668.

Submission:

Natera, Inc.
Classification: Likely pathogenic for Postnatal progressive microcephaly with seizures and brain atrophy. Last evaluated: 2025-10-14. Review status: criteria provided, single submitter. Criteria: Natera Variant Classification Schema (03/2026). Collection method: clinical testing. Allele origin: germline.
Comment: The c.774+1G>A variant in MED17 is a canonical splice donor site variant predicted to affect pre-mRNA splicing, which may result in an abnormal transcript and altered protein product. This variant is expected to result in nonsense mediated decay, truncation, or a dysfunctional protein product. This variant is rare in the general population with a frequency below the threshold expected for the associated phenotype(s). Given the available evidence, this variant is classified as Likely Pathogenic.

NM_004268.5(MED17):c.774+1G>A

Gene: MED17 (mediator complex subunit 17; plus strand). Cytogenetic location: 11q21.
Variant type: single nucleotide variant.
Coding change: c.774+1G>A on transcript NM_004268.5 (MANE Select); the canonical splice donor site of the intron after coding-DNA position 774, G replaced by A.
Molecular consequence: splice donor variant.
Genome position (GRCh38, 1-based): chr11:93,793,865, G>A. VCF-style: chr11-93793865-G-A. GRCh37 (hg19) VCF-style: chr11-93527031-G-A.
Identifiers: ClinVar variation 4815337 (VCV004815337.1).